The following is an entry in ClinVar:

ClinVar aggregate classification (germline): Uncertain significance. Review status: criteria provided, multiple submitters, no conflicts (2 of 4 stars). 3 submissions from 3 submitters: Uncertain significance (3). Last evaluated 2025-12-21.

Conditions:
Hyperkalemic periodic paralysis. Also called: Familial hyperkalemic periodic paralysis; Gamstorp disease. Identifiers: Orphanet 682, MedGen C0238357, MONDO:0008224, OMIM 170500, HP:0007215.
Paramyotonia congenita of Von Eulenburg. Also called: PARALYSIS PERIODICA PARAMYOTONICA; Eulenburg disease; Myotonia congenita intermittens; Von Eulenburg paramyotonia congenita; Paramyotonia Congenita. Identifiers: Orphanet 684, MedGen C0221055, MONDO:0008195, OMIM 168300. Disease mechanism: loss of function.

gnomAD v4.1: 18 of 1,610,424 alleles (0.0011%); highest among the groups gnomAD compares: Non-Finnish European, 0.0014%; no homozygotes.

Submissions (3):

Labcorp Genetics (formerly Invitae), Labcorp
Classification: Uncertain significance for Hyperkalemic periodic paralysis. Last evaluated: 2025-12-21. Review status: criteria provided, single submitter. Criteria: Invitae Variant Classification Sherloc (09022015). Collection method: clinical testing. Allele origin: germline.
Comment: This sequence change replaces tyrosine, which is neutral and polar, with cysteine, which is neutral and slightly polar, at codon 423 of the SCN4A protein (p.Tyr423Cys). This variant is not present in population databases (gnomAD no frequency). This variant has not been reported in the literature in individuals affected with SCN4A-related conditions. ClinVar contains an entry for this variant (Variation ID: 3764794). Invitae Evidence Modeling of protein sequence and biophysical properties (such as structural, functional, and spatial information, amino acid conservation, physicochemical variation, residue mobility, and thermodynamic stability) indicates that this missense variant is expected to disrupt SCN4A protein function with a positive predictive value of 80%. In summary, the available evidence is currently insufficient to determine the role of this variant in disease. Therefore, it has been classified as a Variant of Uncertain Significance.

MVZ Medizinische Genetik Mainz
Classification: Uncertain significance for Paramyotonia congenita of Von Eulenburg. Last evaluated: 2025-02-10. Review status: criteria provided, single submitter. Criteria: UK Practice Guidelines For Variant Classification V4 01 2020. Collection method: clinical testing. Allele origin: germline. Inheritance: Autosomal recessive inheritance. Affected: yes. Observed: 1 variant allele.
Comment: ACMG Criteria: PP3_STR,PM2_SUP

GeneDx
Classification: Uncertain significance. Last evaluated: 2024-12-31. Review status: criteria provided, single submitter. Criteria: GeneDx Variant Classification Process June 2021. Collection method: clinical testing. Allele origin: germline. Affected: yes.
Comment: Not observed at significant frequency in large population cohorts (gnomAD); In silico analysis supports that this missense variant has a deleterious effect on protein structure/function; Has not been previously published as pathogenic or benign to our knowledge

NM_000334.4(SCN4A):c.1268A>G (p.Tyr423Cys)

Gene: SCN4A (sodium voltage-gated channel alpha subunit 4; minus strand). Cytogenetic location: 17q23.3.
Variant type: single nucleotide variant.
Coding change: c.1268A>G on transcript NM_000334.4 (MANE Select); coding-DNA position 1268, A replaced by G.
Protein change: p.Tyr423Cys; replaces tyrosine 423 with cysteine.
Molecular consequence: missense variant.
Genome position (GRCh38, 1-based): chr17:63,964,652, T>C on the plus strand (A>G on the coding strand, the complement: SCN4A is on the minus strand). VCF-style: chr17-63964652-T-C. GRCh37 (hg19) VCF-style: chr17-62042012-T-C.
Other names: short protein forms Y423C.
Identifiers: ClinVar variation 3764794 (VCV003764794.3).